The following is an entry in ClinVar:

ClinVar aggregate classification (germline): Uncertain significance (1 of 4 stars; one submission).

Conditions:
Hereditary cancer-predisposing syndrome. Also called: Hereditary neoplastic syndrome; Neoplastic Syndromes, Hereditary; Tumor predisposition; Hereditary Cancer Syndrome. Identifiers: Orphanet 140162, MedGen C0027672, MeSH D009386, MONDO:0015356.

gnomAD v4.1: 5 of 1,613,308 alleles (0.00031%); highest among the groups gnomAD compares: South Asian, 0.0033%; no homozygotes.

Submission:

Ambry Genetics
Classification: Uncertain significance for Hereditary cancer-predisposing syndrome. Last evaluated: 2025-03-08. Review status: criteria provided, single submitter. Criteria: Ambry Variant Classification Scheme 2023. Collection method: clinical testing. Allele origin: germline.
Comment: The p.D628G variant (also known as c.1883A>G) is located in coding exon 7 of the BLM gene. The aspartic acid at codon 628 is replaced by glycine, an amino acid with similar properties. This change occurs in the first base pair of coding exon 7. This amino acid position is conserved. In addition, this alteration is predicted to be tolerated by in silico analysis. Based on the available evidence, the clinical significance of this variant remains unclear.

NM_000057.4(BLM):c.1883A>G (p.Asp628Gly)

Gene: BLM (BLM RecQ like helicase; plus strand). Cytogenetic location: 15q26.1.
Variant type: single nucleotide variant.
Coding change: c.1883A>G on transcript NM_000057.4 (MANE Select); coding-DNA position 1883, A replaced by G.
Protein change: p.Asp628Gly; replaces aspartic acid 628 with glycine.
Molecular consequence: missense variant.
Genome position (GRCh38, 1-based): chr15:90,762,966, A>G. VCF-style: chr15-90762966-A-G. GRCh37 (hg19) VCF-style: chr15-91306196-A-G.
Other names: c.1883A>G, p.Asp628Gly (NM_001287246.2, NM_001287247.2); c.758A>G, p.Asp253Gly (NM_001287248.2); short protein forms D253G, D628G.
Identifiers: ClinVar variation 3824486 (VCV003824486.1).